The following is an entry in ClinVar:

ClinVar aggregate classification (germline): Uncertain significance (1 of 4 stars; one submission).

Conditions:
Norman-Roberts syndrome (LIS2). Also called: Lissencephaly 2 (Norman-Roberts type). Identifiers: Orphanet 89844, MedGen C0796089, MONDO:0009760, OMIM 257320.
Familial temporal lobe epilepsy 7. Identifiers: Orphanet 101046, MedGen C4225327, MONDO:0014639, OMIM 616436.

Submission:

Labcorp Genetics (formerly Invitae), Labcorp
Classification: Uncertain significance for Familial temporal lobe epilepsy 7; Norman-Roberts syndrome. Last evaluated: 2021-06-24. Review status: criteria provided, single submitter. Criteria: Invitae Variant Classification Sherloc (09022015). Collection method: clinical testing. Allele origin: germline.
Comment: This sequence change replaces serine with glycine at codon 1355 of the RELN protein (p.Ser1355Gly). The serine residue is moderately conserved and there is a small physicochemical difference between serine and glycine. This variant is not present in population databases (ExAC no frequency). This variant has not been reported in the literature in individuals with RELN-related conditions. Algorithms developed to predict the effect of missense changes on protein structure and function (SIFT, PolyPhen-2, Align-GVGD) all suggest that this variant is likely to be tolerated, but these predictions have not been confirmed by published functional studies and their clinical significance is uncertain. Algorithms developed to predict the effect of sequence changes on RNA splicing suggest that this variant may create or strengthen a splice site, but this prediction has not been confirmed by published transcriptional studies. In summary, the available evidence is currently insufficient to determine the role of this variant in disease. Therefore, it has been classified as a Variant of Uncertain Significance.

NM_005045.4(RELN):c.4063A>G (p.Ser1355Gly)

Gene: RELN (reelin; minus strand). Cytogenetic location: 7q22.1.
Variant type: single nucleotide variant.
Coding change: c.4063A>G on transcript NM_005045.4 (MANE Select); coding-DNA position 4063, A replaced by G.
Protein change: p.Ser1355Gly; replaces serine 1355 with glycine.
Molecular consequence: missense variant.
Genome position (GRCh38, 1-based): chr7:103,589,678, T>C on the plus strand (A>G on the coding strand, the complement: RELN is on the minus strand). VCF-style: chr7-103589678-T-C. GRCh37 (hg19) VCF-style: chr7-103230125-T-C.
Other names: c.4063A>G, p.Ser1355Gly (NM_173054.3); short protein forms S1355G.
Identifiers: ClinVar variation 1363606 (VCV001363606.8), dbSNP rs1831364343, ClinGen allele CA368755829.
Genomic context (GRCh38, chr7:103,589,678, plus strand): 5'-TAACAATGGTGATTCTTGTCCATTCTTCAAAGTCCCCTGTGTGATACATGGTGGGCTCAC[T>C]TAGTTCTCTGGAGTTTCCTTCGCATCCTTTGCCTGCAGAAGCCGGGTAACAGCCTTCTTT-3'
Protein context (NP_005036.2, residues 1345-1365): KGCEGNSREL[Ser1355Gly]EPTMYHTGDF